The following is an entry in ClinVar:

ClinVar aggregate classification (germline): Pathogenic (1 of 4 stars; one submission).

Conditions:
RAPSN-related disorder. Also called: RAPSN-related condition; RAPSN-related disorders. Identifiers: MedGen CN239397.

Submission:

Myriad Genetics, Inc.
Classification: Pathogenic for RAPSN-related disorder. Last evaluated: 2024-05-14. Review status: criteria provided, single submitter. Criteria: Myriad Autosomal Dominant, Autosomal Recessive and X-Linked Classification Criteria (2023). Collection method: clinical testing. Allele origin: unknown.
Comment: NM_005055.4(RAPSN):c.490_491insAG(R164Qfs*40) is expected to be pathogenic in the context of RAPSN-related disorders. This variant is predicted to lead to an abnormal or absent protein product due to the creation of a premature termination codon in RAPSN, a gene where loss-of-function variants are known to be pathogenic. Please note: this variant was assessed in the context of healthy population screening.

NM_005055.5(RAPSN):c.490_491insAG (p.Arg164fs)

Gene: RAPSN (receptor associated protein of the synapse; minus strand). Cytogenetic location: 11p11.2.
Variant type: Insertion.
Coding change: c.490_491insAG on transcript NM_005055.5 (MANE Select); coding-DNA positions 490 to 491, AG inserted.
Protein change: p.Arg164fs; shifts the reading frame from arginine 164.
Molecular consequence: frameshift variant. On other transcripts: intron variant (1).
Genome position: GRCh38 VCF-style: chr11-47447852-C-CCT. GRCh37 (hg19) VCF-style: chr11-47469404-C-CCT.
Other names: c.490_491insAG, p.Arg164fs (NM_001440490.1, NM_001440491.1, NM_001440492.1 and 12 more transcripts); c.192+920_192+921insAG (NM_001440504.1); short protein forms R164fs.
Identifiers: ClinVar variation 5011140 (VCV005011140.1).